The following is an entry in ClinVar:

NM_005896.4(IDH1):c.424A>G (p.Thr142Ala)

Gene: IDH1 (isocitrate dehydrogenase (NADP(+)) 1; minus strand). Cytogenetic location: 2q34.
Variant type: single nucleotide variant.
Coding change: c.424A>G on transcript NM_005896.4 (MANE Select); coding-DNA position 424, A replaced by G.
Protein change: p.Thr142Ala; replaces threonine 142 with alanine.
Molecular consequence: missense variant.
Genome position (GRCh38, 1-based): chr2:208,245,415, T>C on the plus strand (A>G on the coding strand, the complement: IDH1 is on the minus strand). VCF-style: chr2-208245415-T-C. GRCh37 (hg19) VCF-style: chr2-209110139-T-C.
Other names: c.424A>G, p.Thr142Ala (NM_001282386.1, NM_001282387.1); short protein forms T142A.
Identifiers: ClinVar variation 1739062 (VCV001739062.2), dbSNP rs2124857639, ClinGen allele CA350100487.

ClinVar aggregate classification (germline): Uncertain significance (1 of 4 stars; one submission).

Submission:

Ambry Genetics
Classification: Uncertain significance. Last evaluated: 2022-01-01. Review status: criteria provided, single submitter. Criteria: Ambry Variant Classification Scheme 2023. Collection method: clinical testing. Allele origin: germline.
Comment: The p.T142A variant (also known as c.424A>G), located in coding exon 3 of the IDH1 gene, results from an A to G substitution at nucleotide position 424. The threonine at codon 142 is replaced by alanine, an amino acid with similar properties. This amino acid position is conserved. In addition, the in silico prediction for this alteration is inconclusive. Since supporting evidence is limited at this time, the clinical significance of this alteration remains unclear.